The following is an entry in ClinVar:

NM_000529.2(MC2R):c.-44G>C

Gene: MC2R (melanocortin 2 receptor; minus strand). Cytogenetic location: 18p11.21.
Variant type: single nucleotide variant.
Coding change: c.-44G>C on transcript NM_000529.2 (MANE Select); 44 bases upstream of the start codon, G replaced by C.
Molecular consequence: 5 prime UTR variant.
Genome position (GRCh38, 1-based): chr18:13,885,562, C>G on the plus strand (G>C on the coding strand, the complement: MC2R is on the minus strand). VCF-style: chr18-13885562-C-G. GRCh37 (hg19) VCF-style: chr18-13885561-C-G.
Other names: c.-44G>C (NM_001291911.1).
Identifiers: ClinVar variation 326198 (VCV000326198.30), dbSNP rs28926177, ClinGen allele CA8902570.
Genomic context (GRCh38, chr18:13,885,562, plus strand): 5'-TTGATAATGTGCTTCATTTCTCCTGCTTGTGGTTAAGGCGGGGATGTTACTTGGACTTGA[C>G]TTCACGGAAAACTTGATTGATTCTTCAGGATCTTTTCTTCCTTGTAGCACTTGCTGGAGA-3'

ClinVar aggregate classification (germline): Benign. Review status: criteria provided, multiple submitters, no conflicts (2 of 4 stars). 3 submissions from 3 submitters: Benign (3). Last evaluated 2023-01-01.

Conditions:
Glucocorticoid deficiency 1 (GCCD1). Also called: Glucocorticoid deficiency, due to ACTH unresponsiveness; Adrenal unresponsiveness to acth; FAMILIAL GLUCOCORTICOID DEFICIENCY 1. Identifiers: Orphanet 361, MedGen C4049650, MONDO:0024536, OMIM 202200.

Allele frequency attached by ClinVar (database versions not stated): 1000 Genomes Project 0.00200; 1000 Genomes Project 30x 0.00203; TOPMed 0.00634; ESP Exome Variant Server 0.00700; gnomAD 0.00776 and 0.00804; gnomAD exomes 0.00817; ExAC 0.00852.
gnomAD v4.1: 15,478 of 1,606,668 alleles (0.96%); highest among the groups gnomAD compares: Middle Eastern, 1.4%; 99 homozygotes.

Submissions (3):

CeGaT Center for Human Genetics Tuebingen
Classification: Benign. Last evaluated: 2023-01-01. Review status: criteria provided, single submitter. Criteria: CeGaT Center For Human Genetics Tuebingen Variant Classification Criteria Version 2. Collection method: clinical testing. Allele origin: germline. Affected: yes. Observed: 1 variant allele.
Comment: MC2R: BS1, BS2

Illumina Laboratory Services, Illumina
Classification: Benign for Glucocorticoid deficiency 1. Last evaluated: 2018-01-13. Review status: criteria provided, single submitter. Criteria: ICSL Variant Classification Criteria 13 December 2019. Collection method: clinical testing. Allele origin: germline.
Comment: This variant was observed in the ICSL laboratory as part of a predisposition screen in an ostensibly healthy population. It had not been previously curated by ICSL or reported in the Human Gene Mutation Database (HGMD: prior to June 1st, 2018), and was therefore a candidate for classification through an automated scoring system. Utilizing variant allele frequency, disease prevalence and penetrance estimates, and inheritance mode, an automated score was calculated to assess if this variant is too frequent to cause the disease. Based on the score and internal cut-off values, a variant classified as benign is not then subjected to further curation. The score for this variant resulted in a classification of benign for this disease.

Breakthrough Genomics
Classification: Benign. Review status: criteria provided, single submitter. Criteria: ACMG Guidelines, 2015. Collection method: not provided. Allele origin: germline. Inheritance: Autosomal recessive inheritance. Affected: yes.